The following is an entry in ClinVar:

NM_031935.3(HMCN1):c.6370C>A (p.Leu2124Ile)

Gene: HMCN1 (hemicentin 1; plus strand). Cytogenetic location: 1q31.1.
Variant type: single nucleotide variant.
Coding change: c.6370C>A on transcript NM_031935.3 (MANE Select); coding-DNA position 6370, C replaced by A.
Protein change: p.Leu2124Ile; replaces leucine 2124 with isoleucine.
Molecular consequence: missense variant.
Genome position (GRCh38, 1-based): chr1:186,045,753, C>A. VCF-style: chr1-186045753-C-A. GRCh37 (hg19) VCF-style: chr1-186014885-C-A.
Other names: short protein forms L2124I.
Identifiers: ClinVar variation 2977197 (VCV002977197.3), dbSNP rs1656522211, ClinGen allele CA343899773.

ClinVar aggregate classification (germline): Uncertain significance (1 of 4 stars; one submission).

Allele frequency attached by ClinVar (database versions not stated): TOPMed below 0.00001; gnomAD 0.00001.
gnomAD v4.1: 1 of 1,612,926 alleles (0.000062%); highest among the groups gnomAD compares: African/African-American, 0.0013%; no homozygotes.

Submission:

Labcorp Genetics (formerly Invitae), Labcorp
Classification: Uncertain significance. Last evaluated: 2022-11-12. Review status: criteria provided, single submitter. Criteria: Invitae Variant Classification Sherloc (09022015). Collection method: clinical testing. Allele origin: germline.
Comment: In summary, the available evidence is currently insufficient to determine the role of this variant in disease. Therefore, it has been classified as a Variant of Uncertain Significance. Algorithms developed to predict the effect of missense changes on protein structure and function output the following: SIFT: "Tolerated"; PolyPhen-2: "Probably Damaging"; Align-GVGD: "Class C0". The isoleucine amino acid residue is found in multiple mammalian species, which suggests that this missense change does not adversely affect protein function. This variant has not been reported in the literature in individuals affected with HMCN1-related conditions. This variant is not present in population databases (gnomAD no frequency). This sequence change replaces leucine, which is neutral and non-polar, with isoleucine, which is neutral and non-polar, at codon 2124 of the HMCN1 protein (p.Leu2124Ile).